The following is an entry in ClinVar:

ClinVar aggregate classification (germline): Conflicting classifications of pathogenicity. Review status: criteria provided, conflicting classifications (1 of 4 stars). 2 submissions from 1 submitter: Uncertain significance (1); Benign (1). Last evaluated 2018-01-12.

Conditions:
Liddle syndrome 2. Identifiers: MedGen C4748251, MONDO:0020854, OMIM 618114.
Pseudohypoaldosteronism, type IB1, autosomal recessive. Also called: Pseudohypoaldosteronism, Type I, Autosomal Recessive; PHA I, AUTOSOMAL RECESSIVE; Autosomal recessive pseudohypoaldosteronism type 1; Pseudohypoaldosteronism, Type I, Recessive. Identifiers: Orphanet 171876, Orphanet 756, MedGen C5774176, MONDO:0009917, OMIM 264350.

Allele frequency attached by ClinVar (database versions not stated): gnomAD 0.00036 and 0.00061; TOPMed 0.00038; gnomAD exomes 0.00112; 1000 Genomes Project 30x 0.00172; 1000 Genomes Project 0.00180.
gnomAD v4.1: 581 of 602,148 alleles (0.096%); highest among the groups gnomAD compares: South Asian, 0.63%; 3 homozygotes.

Submissions (2):

Illumina Laboratory Services, Illumina
Classification: Benign for Liddle syndrome 2. Last evaluated: 2018-01-12. Review status: criteria provided, single submitter. Criteria: ICSL Variant Classification Criteria 13 December 2019. Collection method: clinical testing. Allele origin: germline.
Comment: This variant was observed in the ICSL laboratory as part of a predisposition screen in an ostensibly healthy population. It had not been previously curated by ICSL or reported in the Human Gene Mutation Database (HGMD: prior to June 1st, 2018), and was therefore a candidate for classification through an automated scoring system. Utilizing variant allele frequency, disease prevalence and penetrance estimates, and inheritance mode, an automated score was calculated to assess if this variant is too frequent to cause the disease. Based on the score and internal cut-off values, a variant classified as benign is not then subjected to further curation. The score for this variant resulted in a classification of benign for this disease.

Illumina Laboratory Services, Illumina
Classification: Uncertain significance for Pseudohypoaldosteronism, type IB1, autosomal recessive. Last evaluated: 2018-01-12. Review status: criteria provided, single submitter. Criteria: ICSL Variant Classification Criteria 13 December 2019. Collection method: clinical testing. Allele origin: germline.

NM_001039.4(SCNN1G):c.*230C>T

Gene: SCNN1G (sodium channel epithelial 1 subunit gamma; plus strand). Cytogenetic location: 16p12.2.
Variant type: single nucleotide variant.
Coding change: c.*230C>T on transcript NM_001039.4 (MANE Select); 230 bases downstream of the stop codon, C replaced by T.
Molecular consequence: 3 prime UTR variant.
Genome position (GRCh38, 1-based): chr16:23,215,699, C>T. VCF-style: chr16-23215699-C-T. GRCh37 (hg19) VCF-style: chr16-23227020-C-T.
Identifiers: ClinVar variation 887172 (VCV000887172.4), dbSNP rs72647546, ClinGen allele CA279471270.